The following is an entry in ClinVar:

ClinVar aggregate classification (germline): Uncertain significance (1 of 4 stars; one submission).

Conditions:
PLXNA3-related disorder. Also called: PLXNA3-related condition.

Submission:

PreventionGenetics, part of Exact Sciences
Classification: Uncertain significance for PLXNA3-related condition. Last evaluated: 2026-07-07. Review status: criteria provided, single submitter. Criteria: ACMG Guidelines, 2015. Collection method: clinical testing. Allele origin: germline.
Comment: The PLXNA3 c.1603G>C variant is predicted to result in the amino acid substitution p.Glu535Gln. To our knowledge, this variant has not been reported in the literature or in a large population database (gnomAD), indicating this variant is rare. At this time, the clinical significance of this variant is uncertain due to the absence of conclusive functional and genetic evidence.

NM_017514.5(PLXNA3):c.1603G>C (p.Glu535Gln)

Gene: PLXNA3 (plexin A3; plus strand). Cytogenetic location: Xq28.
Variant type: single nucleotide variant.
Coding change: c.1603G>C on transcript NM_017514.5 (MANE Select); coding-DNA position 1603, G replaced by C.
Protein change: p.Glu535Gln; replaces glutamic acid 535 with glutamine.
Molecular consequence: missense variant.
Genome position (GRCh38, 1-based): chrX:154,464,006, G>C. VCF-style: chrX-154464006-G-C. GRCh37 (hg19) VCF-style: chrX-153692349-G-C.
Other names: short protein forms E535Q.
Identifiers: ClinVar variation 4993432 (VCV004993432.1).